The following is an entry in ClinVar:

NM_021922.3(FANCE):c.436G>T (p.Val146Leu)

Gene: FANCE (FA complementation group E; plus strand). Cytogenetic location: 6p21.31.
Variant type: single nucleotide variant.
Coding change: c.436G>T on transcript NM_021922.3 (MANE Select); coding-DNA position 436, G replaced by T.
Protein change: p.Val146Leu; replaces valine 146 with leucine.
Molecular consequence: missense variant.
Genome position (GRCh38, 1-based): chr6:35,455,934, G>T. VCF-style: chr6-35455934-G-T. GRCh37 (hg19) VCF-style: chr6-35423711-G-T.
Other names: short protein forms V146L.
Identifiers: ClinVar variation 408151 (VCV000408151.13), dbSNP rs755204532, ClinGen allele CA3771409.

ClinVar aggregate classification (germline): Uncertain significance. Review status: criteria provided, multiple submitters, no conflicts (2 of 4 stars). 5 submissions from 5 submitters: Uncertain significance (5). Last evaluated 2025-02-01.

Conditions:
Inborn genetic diseases. Identifiers: MedGen C0950123, MeSH D030342.
Fanconi anemia (FA). Also called: Fanconi's anemia. Identifiers: Orphanet 84, MedGen C0015625, MeSH D005199, MONDO:0019391.
Fanconi anemia complementation group E (FANCE). Also called: FANCE-Related Fanconi Anemia. Identifiers: Orphanet 84, MedGen C3160739, MONDO:0010953, OMIM 600901.

Allele frequency attached by ClinVar (database versions not stated): gnomAD exomes below 0.00001 and 0.00001; ExAC 0.00001; gnomAD 0.00001.
gnomAD v4.1: 5 of 1,614,004 alleles (0.00031%); highest among the groups gnomAD compares: Non-Finnish European, 0.00042%; no homozygotes.

Submissions (5):

Dasa
Classification: Uncertain significance. Last evaluated: 2025-02-01. Review status: criteria provided, single submitter. Criteria: DASA Assertion Criteria. Collection method: clinical testing. Allele origin: germline.
Comment: NM_021922.3(FANCE):c.436G>T (p.Val146Leu) is a missense variant that results in the substitution of valine with leucine. This variant is rare in population databases. Computational prediction algorithms are consistent with a benign effect. The currently available literature and clinical evidence are not sufficient to establish a definitive association between this variant and the reported condition. Therefore, this variant is classified as a variant of uncertain significance.

Ambry Genetics
Classification: Uncertain significance for Inborn genetic diseases. Last evaluated: 2023-03-13. Review status: criteria provided, single submitter. Criteria: Ambry Variant Classification Scheme 2023. Collection method: clinical testing. Allele origin: germline.

Sema4
Classification: Uncertain significance for Fanconi anemia. Last evaluated: 2022-02-01. Review status: criteria provided, single submitter. Criteria: Sema4 Curation Guidelines. Collection method: curation. Allele origin: germline.
Comment: The FANCE c.436G>T(p.V146L) variant has not been reported in the literature to our knowledge. This variant was observed in 2/113278 chromosomes in the Non-Finnish European population according to the Genome Aggregation Database (PMID: 32461654). The variant has been reported in ClinVar (Variation ID: 408151). In silico tools suggest the impact of the variant on protein function is benign, though these predictions have not been confirmed by functional studies. The evidence is insufficient to meet ACMG/AMP criteria for classifying the variant as benign or pathogenic. Thus, the clinical significance of this variant is currently uncertain.

Fulgent Genetics
Classification: Uncertain significance for Fanconi anemia complementation group E. Last evaluated: 2022-01-14. Review status: criteria provided, single submitter. Criteria: ACMG Guidelines, 2015. Collection method: clinical testing. Allele origin: unknown.

Labcorp Genetics (formerly Invitae), Labcorp
Classification: Uncertain significance for Fanconi anemia complementation group E. Last evaluated: 2021-08-31. Review status: criteria provided, single submitter. Criteria: Invitae Variant Classification Sherloc (09022015). Collection method: clinical testing. Allele origin: germline.
Comment: This sequence change replaces valine with leucine at codon 146 of the FANCE protein (p.Val146Leu). The valine residue is weakly conserved and there is a small physicochemical difference between valine and leucine. This variant is present in population databases (rs755204532, ExAC 0.002%). This variant has not been reported in the literature in individuals affected with FANCE-related conditions. ClinVar contains an entry for this variant (Variation ID: 408151). Algorithms developed to predict the effect of missense changes on protein structure and function output the following: SIFT: "Tolerated"; PolyPhen-2: "Benign"; Align-GVGD: "Class C0". The leucine amino acid residue is found in multiple mammalian species, which suggests that this missense change does not adversely affect protein function. In summary, the available evidence is currently insufficient to determine the role of this variant in disease. Therefore, it has been classified as a Variant of Uncertain Significance.